The following is an entry in ClinVar:

NM_006329.4(FBLN5):c.1235G>A (p.Gly412Glu)

Gene: FBLN5 (fibulin 5; minus strand). Cytogenetic location: 14q32.12.
Variant type: single nucleotide variant.
Coding change: c.1235G>A on transcript NM_006329.4 (MANE Select); coding-DNA position 1235, G replaced by A.
Protein change: p.Gly412Glu; replaces glycine 412 with glutamic acid.
Molecular consequence: missense variant. On other transcripts: 3 prime UTR variant (2).
Genome position (GRCh38, 1-based): chr14:91,870,336, C>T on the plus strand (G>A on the coding strand, the complement: FBLN5 is on the minus strand). VCF-style: chr14-91870336-C-T. GRCh37 (hg19) VCF-style: chr14-92336680-C-T.
Other names: c.1235G>A (NM_006329.3); c.1358G>A, p.Gly453Glu (NM_001384158.1); c.1286G>A, p.Gly429Glu (NM_001384159.1); c.*19G>A (NM_001384160.1, NM_001384161.1); c.1067G>A, p.Gly356Glu (NM_001384162.1); short protein forms G412E, G356E, G429E, G453E.
Identifiers: ClinVar variation 5483 (VCV000005483.8), dbSNP rs121434303, ClinGen allele CA213148.

ClinVar aggregate classification (germline): Uncertain significance. Review status: criteria provided, single submitter (1 of 4 stars). 3 submissions from 3 submitters: Uncertain significance (1). 2 of the submissions do not count toward it. Last evaluated 2024-05-05.

Conditions:
Age-related macular degeneration (ARMD). Also called: MACULAR DEGENERATION, AGE-RELATED, REDUCED RISK OF. Identifiers: MedGen C0242383, MONDO:0005150.
Macular degeneration, age-related, 3 (ARMD3). Identifiers: Orphanet 280598, MedGen C1837187, MONDO:0012145, OMIM 608895.

Allele frequency attached by ClinVar (database versions not stated): gnomAD exomes 0.00001.
gnomAD v4.1: 12 of 1,614,202 alleles (0.00074%); highest among the groups gnomAD compares: Non-Finnish European, 0.00093%; no homozygotes.

Submissions (3):

Labcorp Genetics (formerly Invitae), Labcorp
Classification: Uncertain significance. Last evaluated: 2024-05-05. Review status: criteria provided, single submitter. Criteria: Invitae Variant Classification Sherloc (09022015). Collection method: clinical testing. Allele origin: germline.
Comment: This sequence change replaces glycine, which is neutral and non-polar, with glutamic acid, which is acidic and polar, at codon 412 of the FBLN5 protein (p.Gly412Glu). This variant is not present in population databases (gnomAD no frequency). This variant has not been reported in the literature in individuals affected with FBLN5-related conditions. ClinVar contains an entry for this variant (Variation ID: 5483). Advanced modeling of protein sequence and biophysical properties (such as structural, functional, and spatial information, amino acid conservation, physicochemical variation, residue mobility, and thermodynamic stability) performed at Invitae indicates that this missense variant is not expected to disrupt FBLN5 protein function with a negative predictive value of 80%. Experimental studies have shown that this missense change affects FBLN5 function (PMID: 16652333, 20007835). In summary, the available evidence is currently insufficient to determine the role of this variant in disease. Therefore, it has been classified as a Variant of Uncertain Significance.

Inherited Neuropathy Consortium Ii, University Of Miami
Classification: Uncertain significance. Last evaluated: 2016-01-06. Review status: no assertion criteria provided. Collection method: literature only. Allele origin: germline. Affected: yes. Not counted in ClinVar's aggregate classification.

OMIM
Classification: Pathogenic for MACULAR DEGENERATION, AGE-RELATED, 3. Last evaluated: 2004-07-22. Review status: no assertion criteria provided. Collection method: literature only. Allele origin: germline. Not counted in ClinVar's aggregate classification.

Literature cited by the submitters: PubMed 16652333 (cited by Labcorp Genetics (formerly Invitae), Labcorp); PubMed 20007835 (cited by Labcorp Genetics (formerly Invitae), Labcorp); PubMed 15269314 (cited by Inherited Neuropathy Consortium Ii, University Of Miami and OMIM).